The following is an entry in ClinVar:

ClinVar aggregate classification (germline): Likely pathogenic (1 of 4 stars; one submission).

Conditions:
NF1-related disorder. Also called: NF1-related condition. Identifiers: MedGen CN379171.

Submission:

PreventionGenetics, part of Exact Sciences
Classification: Likely pathogenic for NF1-related condition. Last evaluated: 2025-05-16. Review status: criteria provided, single submitter. Criteria: ACMG Guidelines, 2015. Collection method: clinical testing. Allele origin: germline.
Comment: The NF1 c.654+1G>C variant is predicted to disrupt the GT donor site and interfere with normal splicing. To our knowledge, this variant has not been reported in the literature or in a large population database (gnomAD), indicating this variant is rare. Variants that disrupt the consensus splice donor site in NF1 are expected to be pathogenic. This variant is interpreted as likely pathogenic.

NM_001042492.3(NF1):c.654+1G>C

Gene: NF1 (neurofibromin 1; plus strand). Cytogenetic location: 17q11.2.
Variant type: single nucleotide variant.
Coding change: c.654+1G>C on transcript NM_001042492.3 (MANE Select); the canonical splice donor site of the intron after coding-DNA position 654, G replaced by C.
Molecular consequence: splice donor variant.
Genome position (GRCh38, 1-based): chr17:31,181,490, G>C. VCF-style: chr17-31181490-G-C. GRCh37 (hg19) VCF-style: chr17-29508508-G-C.
Other names: c.654+1G>C (NM_000267.4, NM_001128147.3).
Identifiers: ClinVar variation 4998661 (VCV004998661.1).